The following is an entry in ClinVar:

ClinVar aggregate classification (germline): Conflicting classifications of pathogenicity. Review status: criteria provided, conflicting classifications (1 of 4 stars). 2 submissions from 2 submitters: Uncertain significance (1); Likely benign (1). Last evaluated 2026-03-13.

Conditions:
Inborn genetic diseases. Identifiers: MedGen C0950123, MeSH D030342.

Submissions (2):

GeneDx
Classification: Uncertain significance. Last evaluated: 2026-03-13. Review status: criteria provided, single submitter. Criteria: GeneDx Variant Classification Process June 2021. Collection method: clinical testing. Allele origin: germline.
Comment: Not observed at significant frequency in large population cohorts (gnomAD); In silico analysis suggests that this missense variant does not alter protein structure/function; Has not been previously published as pathogenic or benign to our knowledge

Ambry Genetics
Classification: Likely benign for Inborn genetic diseases. Last evaluated: 2025-08-06. Review status: criteria provided, single submitter. Criteria: Ambry Variant Classification Scheme 2023. Collection method: clinical testing. Allele origin: germline.

NM_004780.3(TCEAL1):c.214G>C (p.Gly72Arg)

Gene: TCEAL1 (transcription elongation factor A like 1; plus strand). Cytogenetic location: Xq22.2.
Variant type: single nucleotide variant.
Coding change: c.214G>C on transcript NM_004780.3 (MANE Select); coding-DNA position 214, G replaced by C.
Protein change: p.Gly72Arg; replaces glycine 72 with arginine.
Molecular consequence: missense variant.
Genome position (GRCh38, 1-based): chrX:103,630,130, G>C. VCF-style: chrX-103630130-G-C. GRCh37 (hg19) VCF-style: chrX-102885058-G-C.
Other names: c.214G>C, p.Gly72Arg (NM_001006639.2, NM_001006640.2); short protein forms G72R.
Identifiers: ClinVar variation 3897357 (VCV003897357.3).